The following is an entry in ClinVar:

NM_001378189.1(CFAP57):c.31G>A (p.Val11Ile)

Genes: CFAP57 (cilia and flagella associated protein 57; plus strand), EBNA1BP2 (EBNA1 binding protein 2; minus strand). Cytogenetic location: 1p34.2.
Variant type: single nucleotide variant.
Coding change: c.31G>A on transcript NM_001378189.1 (MANE Select); coding-DNA position 31, G replaced by A.
Protein change: p.Val11Ile; replaces valine 11 with isoleucine.
Molecular consequence: missense variant.
Genome position (GRCh38, 1-based): chr1:43,172,784, G>A. VCF-style: chr1-43172784-G-A. GRCh37 (hg19) VCF-style: chr1-43638455-G-A.
Other names: c.-363C>T (NM_001159936.2); c.31G>A, p.Val11Ile (NM_001167965.1, NM_001195831.3, NM_152498.3); short protein forms V11I.
Identifiers: ClinVar variation 4987597 (VCV004987597.1).

ClinVar aggregate classification (germline): Likely benign (1 of 4 stars; one submission).

Conditions:
CFAP57-related disorder. Also called: CFAP57-related condition.

gnomAD v4.1: 183 of 1,614,150 alleles (0.011%); highest among the groups gnomAD compares: African/African-American, 0.21%; 1 homozygote.

Submission:

PreventionGenetics, part of Exact Sciences
Classification: Likely benign for CFAP57-related condition. Last evaluated: 2025-05-23. Review status: criteria provided, single submitter. Criteria: ACMG Guidelines, 2015. Collection method: clinical testing. Allele origin: germline.
Comment: This variant is classified as likely benign based on ACMG/AMP sequence variant interpretation guidelines (Richards et al. 2015 PMID: 25741868, with internal and published modifications).